The following is an entry in ClinVar:

ClinVar aggregate classification (germline): Uncertain significance (1 of 4 stars; one submission).

Conditions:
Diamond-Blackfan anemia. Also called: Blackfan Diamond syndrome; Aregenerative anemia chronic congenital; Red cell aplasia, pure hereditary; Congenital hypoplastic anemia; Aase syndrome. Identifiers: Orphanet 124, MedGen C1260899, MeSH D029503, MONDO:0015253, HP:0004810.

Submission:

Labcorp Genetics (formerly Invitae), Labcorp
Classification: Uncertain significance for Diamond-Blackfan anemia. Last evaluated: 2022-03-19. Review status: criteria provided, single submitter. Criteria: Invitae Variant Classification Sherloc (09022015). Collection method: clinical testing. Allele origin: germline.
Comment: In summary, the available evidence is currently insufficient to determine the role of this variant in disease. Therefore, it has been classified as a Variant of Uncertain Significance. Algorithms developed to predict the effect of missense changes on protein structure and function (SIFT, PolyPhen-2, Align-GVGD) all suggest that this variant is likely to be tolerated. This variant is not present in population databases (gnomAD no frequency). This sequence change replaces lysine, which is basic and polar, with arginine, which is basic and polar, at codon 28 of the RPL26 protein (p.Lys28Arg). This variant has not been reported in the literature in individuals affected with RPL26-related conditions.

NM_000987.5(RPL26):c.83A>G (p.Lys28Arg)

Gene: RPL26 (ribosomal protein L26; minus strand). Cytogenetic location: 17p13.1.
Variant type: single nucleotide variant.
Coding change: c.83A>G on transcript NM_000987.5 (MANE Select); coding-DNA position 83, A replaced by G.
Protein change: p.Lys28Arg; replaces lysine 28 with arginine.
Molecular consequence: missense variant.
Genome position (GRCh38, 1-based): chr17:8,382,228, T>C on the plus strand (A>G on the coding strand, the complement: RPL26 is on the minus strand). VCF-style: chr17-8382228-T-C. GRCh37 (hg19) VCF-style: chr17-8285546-T-C.
Other names: c.83A>G, p.Lys28Arg (NM_001315530.2, NM_001315531.2); short protein forms K28R.
Identifiers: ClinVar variation 2114552 (VCV002114552.4), dbSNP rs1907454482, ClinGen allele CA398017421.